The following is an entry in ClinVar:

NM_138694.4(PKHD1):c.4347_4348del (p.Asp1450fs)

Gene: PKHD1 (PKHD1 ciliary IPT domain containing fibrocystin/polyductin; minus strand). Cytogenetic location: 6p12.2.
Variant type: Deletion.
Coding change: c.4347_4348del on transcript NM_138694.4 (MANE Select); coding-DNA positions 4347 to 4348, 2 bases deleted (TG; older notation c.4347_4348delTG).
Protein change: p.Asp1450fs; shifts the reading frame from aspartic acid 1450.
Molecular consequence: frameshift variant.
Genome position (GRCh38, 1-based): chr6:52,025,462-52,025,463, CA deleted on the plus strand (TG on the coding strand, the reverse complement: PKHD1 is on the minus strand); deleting any 2 consecutive bases within chr6:52,025,462-52,025,464 gives the same sequence; the c. name uses the placement nearest the transcript's 3' end. VCF-style (leftmost placement, unchanged base first): chr6-52025461-TCA-T. GRCh37 (hg19) VCF-style: chr6-51890259-TCA-T.
Other names: c.4347_4348del, p.Asp1450fs (NM_170724.3); short protein forms D1450fs.
Identifiers: ClinVar variation 1725268 (VCV001725268.2), dbSNP rs2532715912, ClinGen allele CA2580075538.

ClinVar aggregate classification (germline): Likely pathogenic (1 of 4 stars; one submission).

Conditions:
Polycystic kidney disease 4 (PKD4). Also called: POLYCYSTIC KIDNEY AND HEPATIC DISEASE 1; POLYCYSTIC KIDNEY DISEASE, INFANTILE, TYPE I; POLYCYSTIC KIDNEY DISEASE 4 WITH OR WITHOUT POLYCYSTIC LIVER DISEASE; PKD3; Autosomal Recessive Polycystic Kidney Disease – PKHD1. Identifiers: MedGen C4540575, MONDO:0033004, OMIM 263200.

Submission:

Myriad Genetics, Inc.
Classification: Likely pathogenic for Polycystic kidney disease 4. Last evaluated: 2022-03-15. Review status: criteria provided, single submitter. Criteria: Myriad Women's Health Autosomal Recessive and X-Linked Classification Criteria (2021). Collection method: clinical testing. Allele origin: unknown.
Comment: NM_138694.3(PKHD1):c.4347_4348delTG(D1450Pfs*55) is expected to be pathogenic in the context of autosomal recessive polycystic kidney disease, PKHD1-related. This variant is predicted to lead to an abnormal or absent protein product due to the creation of a premature termination codon in PKHD1, a gene where loss-of-function variants are known to be pathogenic. Please note: this variant was assessed in the context of healthy population screening.